The following is an entry in ClinVar:

NM_001168465.2(MAP7D2):c.485-6C>G

Gene: MAP7D2 (MAP7 domain containing 2; minus strand). Cytogenetic location: Xp22.12.
Variant type: single nucleotide variant.
Coding change: c.485-6C>G on transcript NM_001168465.2 (MANE Select); 6 bases into the intron before coding-DNA position 485, C replaced by G.
Molecular consequence: intron variant.
Genome position (GRCh38, 1-based): chrX:20,052,994, G>C on the plus strand (C>G on the coding strand, the complement: MAP7D2 is on the minus strand). VCF-style: chrX-20052994-G-C. GRCh37 (hg19) VCF-style: chrX-20071112-G-C.
Other names: c.484+3686C>G (NM_001168466.2); c.485-6C>G (NM_152780.4); c.353-6C>G (NM_001168467.2).
Identifiers: ClinVar variation 2660138 (VCV002660138.24), dbSNP rs375622351, ClinGen allele CA10365732.

ClinVar aggregate classification (germline): Likely benign (1 of 4 stars; one submission).

Allele frequency attached by ClinVar (database versions not stated): gnomAD 0.00023; TOPMed 0.00025; ExAC 0.00029; ESP Exome Variant Server 0.00057.
gnomAD v4.1: 232 of 1,158,854 alleles (0.02%); highest among the groups gnomAD compares: Non-Finnish European, 0.0026%; 1 homozygote.

Submission:

CeGaT Center for Human Genetics Tuebingen
Classification: Likely benign. Last evaluated: 2023-01-01. Review status: criteria provided, single submitter. Criteria: CeGaT Center For Human Genetics Tuebingen Variant Classification Criteria Version 2. Collection method: clinical testing. Allele origin: germline. Affected: yes. Observed: 1 variant allele.
Comment: MAP7D2: BS2